The following is an entry in ClinVar:

NM_014697.3(NOS1AP):c.762+8A>G

Gene: NOS1AP (nitric oxide synthase 1 adaptor protein; plus strand). Cytogenetic location: 1q23.3.
Variant type: single nucleotide variant.
Coding change: c.762+8A>G on transcript NM_014697.3 (MANE Select); 8 bases into the intron after coding-DNA position 762, A replaced by G.
Molecular consequence: intron variant.
Genome position (GRCh38, 1-based): chr1:162,355,361, A>G. VCF-style: chr1-162355361-A-G. GRCh37 (hg19) VCF-style: chr1-162325151-A-G.
Other names: c.747+8A>G (NM_001164757.2).
Identifiers: ClinVar variation 633340 (VCV000633340.1), dbSNP rs1557890834, ClinGen allele CA913190146.
Genomic context (GRCh38, chr1:162,355,361, plus strand): 5'-TGACTGATCTAGATGCTGTAGGGAAGGAAGGAGGCTCTCACACAGGCTCCAAGGTAGGCA[A>G]GAGATGGCCCATCTGTGTGATCTGCACACGTGTGCCCTCAGGTCATCAGTCACTTCCTAG-3'

ClinVar aggregate classification (germline): Uncertain significance (1 of 4 stars; one submission).

Submission:

Women's Health and Genetics/Laboratory Corporation of America, LabCorp
Classification: Uncertain significance. Last evaluated: 2018-06-11. Review status: criteria provided, single submitter. Criteria: LabCorp Variant Classification Summary - May 2015. Collection method: clinical testing. Allele origin: germline.
Comment: Variant summary: NOS1AP c.762+8A>G alters a non-conserved nucleotide located close to a canonical splice site and therefore could affect mRNA splicing, leading to a significantly altered protein sequence. 4/5 computational tools predict no significant impact on normal splicing. However, these predictions have yet to be confirmed by functional studies. The variant was absent in 246088 control chromosomes (in gnomAD). The available data on variant occurrences in the general population are insufficient to allow any conclusion about variant significance. To our knowledge, no occurrence of c.762+8A>G in individuals affected with Arrhythmia and no experimental evidence demonstrating its impact on protein function have been reported. No clinical diagnostic laboratories have submitted clinical-significance assessments for this variant to ClinVar after 2014. Based on the evidence outlined above, the variant was classified as uncertain significance.